The following is an entry in ClinVar:

ClinVar aggregate classification (germline): Uncertain significance (1 of 4 stars; one submission).

gnomAD v4.1: 4 of 1,614,152 alleles (0.00025%); highest among the groups gnomAD compares: East Asian, 0.0089%; no homozygotes.

Submission:

GeneDx
Classification: Uncertain significance. Last evaluated: 2026-04-07. Review status: criteria provided, single submitter. Criteria: GeneDx Variant Classification Process June 2021. Collection method: clinical testing. Allele origin: germline.
Comment: Not observed at significant frequency in large population cohorts (gnomAD); In silico analysis supports that this missense variant has a deleterious effect on protein structure/function; Has not been previously published as pathogenic or benign to our knowledge

NM_021625.5(TRPV4):c.1294T>G (p.Ser432Ala)

Gene: TRPV4 (transient receptor potential cation channel subfamily V member 4; minus strand). Cytogenetic location: 12q24.11.
Variant type: single nucleotide variant.
Coding change: c.1294T>G on transcript NM_021625.5 (MANE Select); coding-DNA position 1294, T replaced by G.
Protein change: p.Ser432Ala; replaces serine 432 with alanine.
Molecular consequence: missense variant. On other transcripts: intron variant (2).
Genome position (GRCh38, 1-based): chr12:109,796,563, A>C on the plus strand (T>G on the coding strand, the complement: TRPV4 is on the minus strand). VCF-style: chr12-109796563-A-C. GRCh37 (hg19) VCF-style: chr12-110234368-A-C.
Other names: c.1153T>G, p.Ser385Ala (NM_001177428.2); c.1192T>G, p.Ser398Ala (NM_001177431.2); c.1011+2051T>G (NM_001177433.1); c.1152+2051T>G (NM_147204.2); short protein forms S385A, S398A, S432A.
Identifiers: ClinVar variation 5018317 (VCV005018317.1).